The following is an entry in ClinVar:

NM_005097.4(LGI1):c.1392G>A (p.Ser464=)

Gene: LGI1 (leucine rich glioma inactivated 1; plus strand). Cytogenetic location: 10q23.33.
Variant type: single nucleotide variant.
Coding change: c.1392G>A on transcript NM_005097.4 (MANE Select); coding-DNA position 1392, G replaced by A.
Protein change: p.Ser464=; no amino-acid change (serine 464 retained).
Molecular consequence: synonymous variant. On other transcripts: non-coding transcript variant (1), intron variant (1).
Genome position (GRCh38, 1-based): chr10:93,797,521, G>A. VCF-style: chr10-93797521-G-A. GRCh37 (hg19) VCF-style: chr10-95557278-G-A.
Other names: c.1248G>A, p.Ser416= (NM_001308276.2); c.839-228G>A (NM_001308275.2).
Identifiers: ClinVar variation 301660 (VCV000301660.22), dbSNP rs148804268, ClinGen allele CA5611266.

ClinVar aggregate classification (germline): Conflicting classifications of pathogenicity. Review status: criteria provided, conflicting classifications (1 of 4 stars). 4 submissions from 4 submitters: Uncertain significance (1); Likely benign (3). Last evaluated 2026-08-01.

Conditions:
Autosomal dominant epilepsy with auditory features. Identifiers: Orphanet 101046, MedGen C1838062, MONDO:0010898.
Epilepsy, familial temporal lobe, 1. Identifiers: Orphanet 101046, MedGen CN030884, MONDO:0700090, OMIM 600512.
Inborn genetic diseases. Identifiers: MedGen C0950123, MeSH D030342.

Allele frequency attached by ClinVar (database versions not stated): gnomAD 0.00005; ESP Exome Variant Server 0.00008; TOPMed 0.00008; gnomAD exomes 0.00009; ExAC 0.00012.

Submissions (4):

CeGaT Center for Human Genetics Tuebingen
Classification: Likely benign. Last evaluated: 2026-08-01. Review status: criteria provided, single submitter. Criteria: CeGaT Center For Human Genetics Tuebingen Variant Classification Criteria Version 2. Collection method: clinical testing. Allele origin: germline. Affected: yes. Observed: 1 variant allele.
Comment: LGI1: BP4, BP7

Labcorp Genetics (formerly Invitae), Labcorp
Classification: Likely benign for Autosomal dominant epilepsy with auditory features. Last evaluated: 2025-06-22. Review status: criteria provided, single submitter. Criteria: Invitae Variant Classification Sherloc (09022015). Collection method: clinical testing. Allele origin: germline.

Illumina Laboratory Services, Illumina
Classification: Uncertain significance for Epilepsy, familial temporal lobe, 1. Last evaluated: 2018-01-12. Review status: criteria provided, single submitter. Criteria: ICSL Variant Classification Criteria 13 December 2019. Collection method: clinical testing. Allele origin: germline.

Ambry Genetics
Classification: Likely benign for Inborn genetic diseases. Last evaluated: 2016-06-14. Review status: criteria provided, single submitter. Criteria: Ambry Variant Classification Scheme 2023. Collection method: clinical testing. Allele origin: germline.